The following is an entry in ClinVar:

NM_000338.3(SLC12A1):c.2507del (p.Gln836fs)

Gene: SLC12A1 (solute carrier family 12 member 1; plus strand). Cytogenetic location: 15q21.1.
Variant type: Deletion.
Coding change: c.2507del on transcript NM_000338.3 (MANE Select); coding-DNA position 2507, one base deleted (A; older notation c.2507delA).
Protein change: p.Gln836fs; shifts the reading frame from glutamine 836.
Molecular consequence: frameshift variant.
Genome position (GRCh38, 1-based): chr15:48,285,127, A deleted. VCF-style (leftmost placement, unchanged base first): chr15-48285126-CA-C. GRCh37 (hg19) VCF-style: chr15-48577323-CA-C.
Other names: c.2507del, p.Gln836fs (NM_001184832.2, NM_001384136.1); short protein forms Q836fs.
Identifiers: ClinVar variation 2835557 (VCV002835557.3), dbSNP rs2505182645, ClinGen allele CA2739269432.
Genomic context (GRCh38, chr15:48,285,126, plus strand): 5'-AGTTCTGAGTTAAGTAGGTGATTTTGTCTTCTTTCATCAGAGGAATTAGAGAGATTAGAA[CA>C]GGAGAGACTAGCATTGGAAGCGACTATCAAAGATAATGAGTGTGAAGAGGAAAGTGGAGG-3'

ClinVar aggregate classification (germline): Pathogenic (1 of 4 stars; one submission).

Submission:

Labcorp Genetics (formerly Invitae), Labcorp
Classification: Pathogenic. Last evaluated: 2023-03-14. Review status: criteria provided, single submitter. Criteria: Invitae Variant Classification Sherloc (09022015). Collection method: clinical testing. Allele origin: germline.
Comment: For these reasons, this variant has been classified as Pathogenic. This variant has not been reported in the literature in individuals affected with SLC12A1-related conditions. This variant is not present in population databases (gnomAD no frequency). This sequence change creates a premature translational stop signal (p.Gln836Argfs*4) in the SLC12A1 gene. It is expected to result in an absent or disrupted protein product. Loss-of-function variants in SLC12A1 are known to be pathogenic (PMID: 8640224, 9585600, 19096086).

Literature cited by the submitters: PubMed 8640224; PubMed 9585600; PubMed 19096086.